The following is an entry in ClinVar:

NM_000143.4(FH):c.1391-1G>T

Gene: FH (fumarate hydratase; minus strand). Cytogenetic location: 1q43.
Variant type: single nucleotide variant.
Coding change: c.1391-1G>T on transcript NM_000143.4 (MANE Select); the canonical splice acceptor site of the intron before coding-DNA position 1391, G replaced by T.
Molecular consequence: splice acceptor variant.
Genome position (GRCh38, 1-based): chr1:241,497,971, C>A on the plus strand (G>T on the coding strand, the complement: FH is on the minus strand). VCF-style: chr1-241497971-C-A. GRCh37 (hg19) VCF-style: chr1-241661271-C-A.
Identifiers: ClinVar variation 1771552 (VCV001771552.3), dbSNP rs863223978, ClinGen allele CA345451191.

ClinVar aggregate classification (germline): Pathogenic/Likely pathogenic. Review status: criteria provided, multiple submitters, no conflicts (2 of 4 stars). 2 submissions from 2 submitters: Pathogenic (1); Likely pathogenic (1). Last evaluated 2023-06-26.

Conditions:
Hereditary cancer-predisposing syndrome. Also called: Tumor predisposition; Neoplastic Syndromes, Hereditary; Hereditary Cancer Syndrome; Hereditary neoplastic syndrome. Identifiers: Orphanet 140162, MedGen C0027672, MeSH D009386, MONDO:0015356.
Fumarase deficiency (FMRD). Also called: Fumaric aciduria; Fumarate Hydratase Deficiency. Identifiers: Orphanet 24, MedGen C0342770, MONDO:0011730, OMIM 606812.

Submissions (2):

Baylor Genetics
Classification: Likely pathogenic for Fumarase deficiency. Last evaluated: 2023-06-26. Review status: criteria provided, single submitter. Criteria: ACMG Guidelines, 2015. Collection method: clinical testing. Allele origin: unknown.

Ambry Genetics
Classification: Pathogenic for Hereditary cancer-predisposing syndrome. Last evaluated: 2022-06-23. Review status: criteria provided, single submitter. Criteria: Ambry Variant Classification Scheme 2023. Collection method: clinical testing. Allele origin: germline.
Comment: The c.1391-1G>T intronic pathogenic mutation results from a G to T substitution one nucleotide upstream from coding exon 10 of the FH gene. Alterations that disrupt the canonical splice site are expected to cause aberrant splicing, resulting in an abnormal protein or a transcript that is subject to nonsense-mediated mRNA decay. This alteration has been observed in at least one individual with a personal and/or family history that is consistent with FH-related disease (Ambry internal data). This nucleotide position is highly conserved in available vertebrate species. In silico splice site analysis predicts that this alteration will weaken the native splice acceptor site and may result in the creation or strengthening of a novel splice acceptor site. RNA studies have demonstrated that this alteration results in abnormal splicing in the set of samples tested (Ambry internal data). Based on the supporting evidence, this alteration is interpreted as a disease-causing mutation.